The following is an entry in ClinVar:

ClinVar aggregate classification (germline): Uncertain significance (1 of 4 stars; one submission).

Allele frequency attached by ClinVar (database versions not stated): gnomAD exomes below 0.00001; ExAC 0.00002; TOPMed 0.00004; gnomAD 0.00006.
gnomAD v4.1: 15 of 1,570,746 alleles (0.00095%); highest among the groups gnomAD compares: African/African-American, 0.019%; no homozygotes.

Submission:

Labcorp Genetics (formerly Invitae), Labcorp
Classification: Uncertain significance. Last evaluated: 2022-07-12. Review status: criteria provided, single submitter. Criteria: Invitae Variant Classification Sherloc (09022015). Collection method: clinical testing. Allele origin: germline.
Comment: This sequence change replaces proline, which is neutral and non-polar, with leucine, which is neutral and non-polar, at codon 303 of the LCA5 protein (p.Pro303Leu). This variant is not present in population databases (gnomAD no frequency). This variant has not been reported in the literature in individuals affected with LCA5-related conditions. ClinVar contains an entry for this variant (Variation ID: 1482746). Algorithms developed to predict the effect of missense changes on protein structure and function output the following: SIFT: "Tolerated"; PolyPhen-2: "Benign"; Align-GVGD: "Class C0". The leucine amino acid residue is found in multiple mammalian species, which suggests that this missense change does not adversely affect protein function. In summary, the available evidence is currently insufficient to determine the role of this variant in disease. Therefore, it has been classified as a Variant of Uncertain Significance.

NM_001122769.3(LCA5):c.908C>T (p.Pro303Leu)

Gene: LCA5 (lebercilin LCA5; minus strand). Cytogenetic location: 6q14.1.
Variant type: single nucleotide variant.
Coding change: c.908C>T on transcript NM_001122769.3 (MANE Select); coding-DNA position 908, C replaced by T.
Protein change: p.Pro303Leu; replaces proline 303 with leucine.
Molecular consequence: missense variant.
Genome position (GRCh38, 1-based): chr6:79,492,598, G>A on the plus strand (C>T on the coding strand, the complement: LCA5 is on the minus strand). VCF-style: chr6-79492598-G-A. GRCh37 (hg19) VCF-style: chr6-80202315-G-A.
Other names: c.908C>T, p.Pro303Leu (NM_181714.4); short protein forms P303L.
Identifiers: ClinVar variation 1482746 (VCV001482746.3), dbSNP rs762763284, ClinGen allele CA3900983.